The following is an entry in ClinVar:

ClinVar aggregate classification (germline): Uncertain significance (1 of 4 stars; one submission).

Submission:

Labcorp Genetics (formerly Invitae), Labcorp
Classification: Uncertain significance. Last evaluated: 2025-04-14. Review status: criteria provided, single submitter. Criteria: Invitae Variant Classification Sherloc (09022015). Collection method: clinical testing. Allele origin: germline.
Comment: This sequence change replaces arginine, which is basic and polar, with glycine, which is neutral and non-polar, at codon 11 of the COLGALT1 protein (p.Arg11Gly). This variant is present in population databases (no rsID available, gnomAD 0.007%). This variant has not been reported in the literature in individuals affected with COLGALT1-related conditions. ClinVar contains an entry for this variant (Variation ID: 2114953). Experimental studies and prediction algorithms are not available or were not evaluated, and the functional significance of this variant is currently unknown. In summary, the available evidence is currently insufficient to determine the role of this variant in disease. Therefore, it has been classified as a Variant of Uncertain Significance.

NM_024656.4(COLGALT1):c.31C>G (p.Arg11Gly)

Genes: COLGALT1 (collagen beta(1-O)galactosyltransferase 1; plus strand), LOC130063952 (ATAC-STARR-seq lymphoblastoid silent region 10355; plus strand). Cytogenetic location: 19p13.11.
Variant type: single nucleotide variant.
Coding change: c.31C>G on transcript NM_024656.4 (MANE Select); coding-DNA position 31, C replaced by G.
Protein change: p.Arg11Gly; replaces arginine 11 with glycine.
Molecular consequence: missense variant.
Genome position (GRCh38, 1-based): chr19:17,555,744, C>G. VCF-style: chr19-17555744-C-G. GRCh37 (hg19) VCF-style: chr19-17666553-C-G.
Other names: short protein forms R11G.
Identifiers: ClinVar variation 2114953 (VCV002114953.4), dbSNP rs898945714, ClinGen allele CA306084677.